The following is an entry in ClinVar:

NC_000001.10:g.(?_63867905)_(63902691_?)del

Gene: ALG6 (ALG6 alpha-1,3-glucosyltransferase; plus strand). Cytogenetic location: 1p31.3.
Variant type: Deletion.
Identifiers: ClinVar variation 1421154 (VCV001421154.4).

ClinVar aggregate classification (germline): Pathogenic (1 of 4 stars; one submission).

Conditions:
ALG6-congenital disorder of glycosylation 1C (CDG1C). Also called: CDG Ic; Congenital disorder of glycosylation type 1C; CARBOHYDRATE-DEFICIENT GLYCOPROTEIN SYNDROME, TYPE I, WITH DEFICIENT GLYCOSYLATION OF DOLICHOL-LINKED OLIGOSACCHARIDE; CARBOHYDRATE-DEFICIENT GLYCOPROTEIN SYNDROME, TYPE V; Congenital disorder of glycosylation, type Ic. Identifiers: Orphanet 79320, MedGen C2930997, MONDO:0011291, OMIM 603147.

Submission:

Labcorp Genetics (formerly Invitae), Labcorp
Classification: Pathogenic for ALG6-congenital disorder of glycosylation 1C. Last evaluated: 2022-11-15. Review status: criteria provided, single submitter. Criteria: Invitae Variant Classification Sherloc (09022015). Collection method: clinical testing. Allele origin: germline.
Comment: For these reasons, this variant has been classified as Pathogenic. This variant disrupts a region of the ALG6 protein in which other variant(s) (p.Val447Serfs*44) have been determined to be pathogenic (PMID: 23430515, 27287710; Invitae). This suggests that this is a clinically significant region of the protein, and that variants that disrupt it are likely to be disease-causing. This variant has not been reported in the literature in individuals affected with ALG6-related conditions. This variant is a gross deletion of the genomic region encompassing exon(s) 4-15 of the ALG6 gene, which includes the termination codon. This deletion extends beyond the assayed region for this gene and therefore may encompass additional genes. While this deletion is not anticipated to lead to nonsense mediated decay, it is expected to alter mRNA translation or result in a truncated protein product.

Literature cited by the submitters: PubMed 23430515; PubMed 27287710.